The following is an entry in ClinVar:

ClinVar aggregate classification (germline): Pathogenic (1 of 4 stars; one submission).

Allele frequency attached by ClinVar (database versions not stated): gnomAD exomes below 0.00001.
gnomAD v4.1: 1 of 1,613,940 alleles (0.000062%); highest among the groups gnomAD compares: Non-Finnish European, 0.000085%; no homozygotes.

Submission:

Labcorp Genetics (formerly Invitae), Labcorp
Classification: Pathogenic. Last evaluated: 2024-01-28. Review status: criteria provided, single submitter. Criteria: Invitae Variant Classification Sherloc (09022015). Collection method: clinical testing. Allele origin: germline.
Comment: This sequence change creates a premature translational stop signal (p.Tyr372*) in the PLK4 gene. It is expected to result in an absent or disrupted protein product. Loss-of-function variants in PLK4 are known to be pathogenic (PMID: 25320347, 30842647). This variant is not present in population databases (gnomAD no frequency). This variant has not been reported in the literature in individuals affected with PLK4-related conditions. For these reasons, this variant has been classified as Pathogenic.

Literature cited by the submitters: PubMed 25320347; PubMed 30842647.

NM_014264.5(PLK4):c.1116C>G (p.Tyr372Ter)

Gene: PLK4 (polo like kinase 4; plus strand). Cytogenetic location: 4q28.1.
Variant type: single nucleotide variant.
Coding change: c.1116C>G on transcript NM_014264.5 (MANE Select); coding-DNA position 1116, C replaced by G.
Protein change: p.Tyr372Ter; replaces tyrosine 372 with a stop codon.
Molecular consequence: nonsense.
Genome position (GRCh38, 1-based): chr4:127,886,486, C>G. VCF-style: chr4-127886486-C-G. GRCh37 (hg19) VCF-style: chr4-128807641-C-G.
Other names: c.1020C>G, p.Tyr340Ter (NM_001190799.2); c.993C>G, p.Tyr331Ter (NM_001190801.2); short protein forms Y372*, Y340*, Y331*.
Identifiers: ClinVar variation 2857037 (VCV002857037.3), dbSNP rs2546013620, ClinGen allele CA358152462.